The following is an entry in ClinVar:

ClinVar aggregate classification (germline): Uncertain significance. Review status: criteria provided, multiple submitters, no conflicts (2 of 4 stars). 3 submissions from 3 submitters: Uncertain significance (3). Last evaluated 2025-08-07.

Conditions:
Familial adenomatous polyposis 1 (FAP1). Also called: FAMILIAL ADENOMATOUS POLYPOSIS 1, ATTENUATED; POLYPOSIS, ADENOMATOUS INTESTINAL. Identifiers: MedGen C2713442, MONDO:0021056, OMIM 175100. Disease mechanism: loss of function.
Hereditary cancer-predisposing syndrome. Also called: Tumor predisposition; Hereditary Cancer Syndrome; Hereditary neoplastic syndrome; Neoplastic Syndromes, Hereditary. Identifiers: Orphanet 140162, MedGen C0027672, MeSH D009386, MONDO:0015356.

Allele frequency attached by ClinVar (database versions not stated): gnomAD exomes below 0.00001; TOPMed below 0.00001; gnomAD 0.00001.
gnomAD v4.1: 7 of 1,614,060 alleles (0.00043%); highest among the groups gnomAD compares: East Asian, 0.0022%; no homozygotes.

Submissions (3):

Labcorp Genetics (formerly Invitae), Labcorp
Classification: Uncertain significance for Familial adenomatous polyposis 1. Last evaluated: 2025-08-07. Review status: criteria provided, single submitter. Criteria: Invitae Variant Classification Sherloc (09022015). Collection method: clinical testing. Allele origin: germline.
Comment: This sequence change replaces glutamine, which is neutral and polar, with arginine, which is basic and polar, at codon 793 of the APC protein (p.Gln793Arg). This variant is present in population databases (no rsID available, gnomAD 0.0009%). This variant has not been reported in the literature in individuals affected with APC-related conditions. ClinVar contains an entry for this variant (Variation ID: 537505). Invitae Evidence Modeling of protein sequence and biophysical properties (such as structural, functional, and spatial information, amino acid conservation, physicochemical variation, residue mobility, and thermodynamic stability) indicates that this missense variant is not expected to disrupt APC protein function with a negative predictive value of 95%. In summary, the available evidence is currently insufficient to determine the role of this variant in disease. Therefore, it has been classified as a Variant of Uncertain Significance.

Color Diagnostics, LLC DBA Color Health
Classification: Uncertain significance for Hereditary cancer-predisposing syndrome. Last evaluated: 2024-03-06. Review status: criteria provided, single submitter. Criteria: ACMG Guidelines, 2015. Collection method: clinical testing. Allele origin: germline.
Comment: This missense variant replaces glutamine with arginine at codon 793 of the APC protein. Computational prediction suggests that this variant may not impact protein structure and function (internally defined REVEL score threshold <= 0.5, PMID: 27666373). To our knowledge, functional studies have not been reported for this variant. This variant has not been reported in individuals affected with hereditary cancer in the literature. This variant has been identified in 1/250798 chromosomes in the general population by the Genome Aggregation Database (gnomAD). The available evidence is insufficient to determine the role of this variant in disease conclusively. Therefore, this variant is classified as a Variant of Uncertain Significance.

Ambry Genetics
Classification: Uncertain significance for Hereditary cancer-predisposing syndrome. Last evaluated: 2022-09-28. Review status: criteria provided, single submitter. Criteria: Ambry Variant Classification Scheme 2023. Collection method: clinical testing. Allele origin: germline.
Comment: The p.Q793R variant (also known as c.2378A>G), located in coding exon 15 of the APC gene, results from an A to G substitution at nucleotide position 2378. The glutamine at codon 793 is replaced by arginine, an amino acid with highly similar properties. This amino acid position is conserved. In addition, in silico predictors for this gene do not accurately predict pathogenicity. Since supporting evidence is limited at this time, the clinical significance of this alteration remains unclear.

NM_000038.6(APC):c.2378A>G (p.Gln793Arg)

Gene: APC (APC regulator of Wnt signaling pathway; plus strand). Cytogenetic location: 5q22.2.
Variant type: single nucleotide variant.
Coding change: c.2378A>G on transcript NM_000038.6 (MANE Select); coding-DNA position 2378, A replaced by G.
Protein change: p.Gln793Arg; replaces glutamine 793 with arginine.
Molecular consequence: missense variant.
Genome position (GRCh38, 1-based): chr5:112,837,972, A>G. VCF-style: chr5-112837972-A-G. GRCh37 (hg19) VCF-style: chr5-112173669-A-G.
Other names: c.2378A>G, p.Gln793Arg (NM_001127510.3, NM_001354895.2); c.2324A>G, p.Gln775Arg (NM_001127511.3); c.2432A>G, p.Gln811Arg (NM_001354896.2); c.2408A>G, p.Gln803Arg (NM_001354897.2); c.2303A>G, p.Gln768Arg (NM_001354898.2); c.2294A>G, p.Gln765Arg (NM_001354899.2); c.2255A>G, p.Gln752Arg (NM_001354900.2); c.2201A>G, p.Gln734Arg (NM_001354901.2); and 5 more; short protein forms Q775R, Q793R, Q510R, Q667R, Q692R, Q734R, Q633R, Q752R.
Identifiers: ClinVar variation 537505 (VCV000537505.17), dbSNP rs1356210683, ClinGen allele CA16026557.
Genomic context (GRCh38, chr5:112,837,972, plus strand): 5'-TTGACAATATAGACAATTTAAGTCCCAAGGCATCTCATCGTAGTAAGCAGAGACACAAGC[A>G]AAGTCTCTATGGTGATTATGTTTTTGACACCAATCGACATGATGATAATAGGTCAGACAA-3'
Protein context (NP_000029.2, residues 783-803): ASHRSKQRHK[Gln793Arg]SLYGDYVFDT